The following is an entry in ClinVar:

ClinVar aggregate classification (germline): Uncertain significance (1 of 4 stars; one submission).

Conditions:
Kabuki syndrome. Also called: NIIKAWA-KUROKI SYNDROME; Kabuki make-up syndrome. Identifiers: Orphanet 2322, MedGen C0796004, MONDO:0016512.

Submission:

Labcorp Genetics (formerly Invitae), Labcorp
Classification: Uncertain significance for Kabuki syndrome. Last evaluated: 2025-03-05. Review status: criteria provided, single submitter. Criteria: Invitae Variant Classification Sherloc (09022015). Collection method: clinical testing. Allele origin: germline.
Comment: This sequence change replaces threonine, which is neutral and polar, with isoleucine, which is neutral and non-polar, at codon 1681 of the KMT2D protein (p.Thr1681Ile). This variant is not present in population databases (gnomAD no frequency). This variant has not been reported in the literature in individuals affected with KMT2D-related conditions. Invitae Evidence Modeling of protein sequence and biophysical properties (such as structural, functional, and spatial information, amino acid conservation, physicochemical variation, residue mobility, and thermodynamic stability) indicates that this missense variant is not expected to disrupt KMT2D protein function with a negative predictive value of 95%. In summary, the available evidence is currently insufficient to determine the role of this variant in disease. Therefore, it has been classified as a Variant of Uncertain Significance.

NM_003482.4(KMT2D):c.5042C>T (p.Thr1681Ile)

Gene: KMT2D (lysine methyltransferase 2D; minus strand). Cytogenetic location: 12q13.12.
Variant type: single nucleotide variant.
Coding change: c.5042C>T on transcript NM_003482.4 (MANE Select); coding-DNA position 5042, C replaced by T.
Protein change: p.Thr1681Ile; replaces threonine 1681 with isoleucine.
Molecular consequence: missense variant.
Genome position (GRCh38, 1-based): chr12:49,044,444, G>A on the plus strand (C>T on the coding strand, the complement: KMT2D is on the minus strand). VCF-style: chr12-49044444-G-A. GRCh37 (hg19) VCF-style: chr12-49438227-G-A.
Other names: short protein forms T1681I.
Identifiers: ClinVar variation 4801244 (VCV004801244.1).